The following is an entry in ClinVar:

NM_000136.3(FANCC):c.1108C>T (p.His370Tyr)

Genes: FANCC (FA complementation group C; minus strand), AOPEP (aminopeptidase O (putative); plus strand). Cytogenetic location: 9q22.32.
Variant type: single nucleotide variant.
Coding change: c.1108C>T on transcript NM_000136.3 (MANE Select); coding-DNA position 1108, C replaced by T.
Protein change: p.His370Tyr; replaces histidine 370 with tyrosine.
Molecular consequence: missense variant.
Genome position (GRCh38, 1-based): chr9:95,114,675, G>A on the plus strand (C>T on the coding strand, the complement: FANCC is on the minus strand). VCF-style: chr9-95114675-G-A. GRCh37 (hg19) VCF-style: chr9-97876957-G-A.
Other names: c.1108C>T, p.His370Tyr (NM_001243743.2, NM_001243744.2); short protein forms H370Y.
Identifiers: ClinVar variation 3512778 (VCV003512778.1).

ClinVar aggregate classification (germline): Uncertain significance (1 of 4 stars; one submission).

Conditions:
Hereditary cancer-predisposing syndrome. Also called: Tumor predisposition; Neoplastic Syndromes, Hereditary; Hereditary Cancer Syndrome; Hereditary neoplastic syndrome. Identifiers: Orphanet 140162, MedGen C0027672, MeSH D009386, MONDO:0015356.

Submission:

Ambry Genetics
Classification: Uncertain significance for Hereditary cancer-predisposing syndrome. Last evaluated: 2024-09-02. Review status: criteria provided, single submitter. Criteria: Ambry Variant Classification Scheme 2023. Collection method: clinical testing. Allele origin: germline.
Comment: The p.H370Y variant (also known as c.1108C>T), located in coding exon 11 of the FANCC gene, results from a C to T substitution at nucleotide position 1108. The histidine at codon 370 is replaced by tyrosine, an amino acid with similar properties. This amino acid position is conserved. In addition, this alteration is predicted to be tolerated by in silico analysis. Based on the available evidence, the clinical significance of this variant remains unclear.